The following is an entry in ClinVar:

ClinVar aggregate classification (germline): Likely benign (1 of 4 stars; one submission).

Allele frequency attached by ClinVar (database versions not stated): ExAC 0.00006; gnomAD 0.00007; gnomAD exomes 0.00039.
gnomAD v4.1: 120 of 301,200 alleles (0.04%); highest among the groups gnomAD compares: Middle Eastern, 0.19%; no homozygotes.

Submission:

CeGaT Center for Human Genetics Tuebingen
Classification: Likely benign. Last evaluated: 2026-09-01. Review status: criteria provided, single submitter. Criteria: CeGaT Center For Human Genetics Tuebingen Variant Classification Criteria Version 2. Collection method: clinical testing. Allele origin: germline. Affected: yes. Observed: 19 variant alleles.
Comment: FMN2: BP4, BP7

NM_020066.5(FMN2):c.3018G>A (p.Ala1006=)

Gene: FMN2 (formin 2; plus strand). Cytogenetic location: 1q43.
Variant type: single nucleotide variant.
Coding change: c.3018G>A on transcript NM_020066.5 (MANE Select); coding-DNA position 3018, G replaced by A.
Protein change: p.Ala1006=; no amino-acid change (alanine 1006 retained).
Molecular consequence: synonymous variant. On other transcripts: intron variant (1).
Genome position (GRCh38, 1-based): chr1:240,207,830, G>A. VCF-style: chr1-240207830-G-A. GRCh37 (hg19) VCF-style: chr1-240371130-G-A.
Other names: c.3030G>A, p.Ala1010= (NM_001305424.2); c.1986+19568G>A (NM_001348094.2).
Identifiers: ClinVar variation 2640154 (VCV002640154.24), dbSNP rs772839484, ClinGen allele CA1476988.